The following is an entry in ClinVar:

NM_000038.6(APC):c.7181_7183del (p.Ser2394_Glu2395delinsLys)

Gene: APC (APC regulator of Wnt signaling pathway; plus strand). Cytogenetic location: 5q22.2.
Variant type: Deletion.
Coding change: c.7181_7183del on transcript NM_000038.6 (MANE Select); coding-DNA positions 7181 to 7183, 3 bases deleted (GTG; older notation c.7181_7183delGTG).
Protein change: p.Ser2394_Glu2395delinsLys.
Molecular consequence: inframe indel.
Genome position (GRCh38, 1-based): chr5:112,842,775-112,842,777, GTG deleted. VCF-style (leftmost placement, unchanged base first): chr5-112842774-AGTG-A. GRCh37 (hg19) VCF-style: chr5-112178471-AGTG-A.
Other names: c.7181_7183del, p.Ser2394_Glu2395delinsLys (NM_001127510.3, NM_001354895.2); c.7127_7129del, p.Ser2376_Glu2377delinsLys (NM_001127511.3); c.7235_7237del, p.Ser2412_Glu2413delinsLys (NM_001354896.2); c.7211_7213del, p.Ser2404_Glu2405delinsLys (NM_001354897.2); c.7106_7108del, p.Ser2369_Glu2370delinsLys (NM_001354898.2); c.7097_7099del, p.Ser2366_Glu2367delinsLys (NM_001354899.2); c.7058_7060del, p.Ser2353_Glu2354delinsLys (NM_001354900.2); c.7004_7006del, p.Ser2335_Glu2336delinsLys (NM_001354901.2); and 5 more.
Identifiers: ClinVar variation 1052291 (VCV001052291.10), dbSNP rs2149981641, ClinGen allele CA2499217499.
Genomic context (GRCh38, chr5:112,842,774, plus strand): 5'-AGCCAACAGAACCTTACCAAACAAACAGGTTTATCCAAGAATGCCAGTAGTATTCCAAGA[AGTG>A]AGTCTGCCTCCAAAGGACTAAATCAGATGAATAATGGTAATGGAGCCAATAAAAAGGTAG-3'

ClinVar aggregate classification (germline): Uncertain significance (1 of 4 stars; one submission).

Conditions:
Familial adenomatous polyposis 1 (FAP1). Also called: POLYPOSIS, ADENOMATOUS INTESTINAL; FAMILIAL ADENOMATOUS POLYPOSIS 1, ATTENUATED. Identifiers: MedGen C2713442, MONDO:0021056, OMIM 175100. Disease mechanism: loss of function.

Submission:

Labcorp Genetics (formerly Invitae), Labcorp
Classification: Uncertain significance for Familial adenomatous polyposis 1. Last evaluated: 2020-02-24. Review status: criteria provided, single submitter. Criteria: Invitae Variant Classification Sherloc (09022015). Collection method: clinical testing. Allele origin: germline.
Comment: In summary, the available evidence is currently insufficient to determine the role of this variant in disease. Therefore, it has been classified as a Variant of Uncertain Significance. Experimental studies and prediction algorithms are not available or were not evaluated, and the functional significance of this variant is currently unknown. This variant has not been reported in the literature in individuals with APC-related conditions. This variant is not present in population databases (ExAC no frequency). This variant, c.7181_7183del, results in the deletion of 2 amino acids and insertion of one amino acid in the APC protein (p.Ser2394_Glu2395delinsLys), but otherwise preserves the integrity of the reading frame.